The following is an entry in ClinVar:

ClinVar aggregate classification (germline): Conflicting classifications of pathogenicity. Review status: criteria provided, conflicting classifications (1 of 4 stars). 3 submissions from 3 submitters: Uncertain significance (2); Likely benign (1). Last evaluated 2026-07-30.

Conditions:
Inborn genetic diseases. Identifiers: MedGen C0950123, MeSH D030342.
Angelman syndrome (AS). Also called: HAPPY PUPPET SYNDROME. Identifiers: Orphanet 72, MedGen C0162635, MONDO:0007113, OMIM 105830. Disease mechanism: loss of function. Inheritance: AS is caused by disruption of maternally imprinted UBE3A located within the 15q11.2-q13 Angelman syndrome/Prader-Willi syndrome (AS/PWS) region., imprinting disorder.

Allele frequency attached by ClinVar (database versions not stated): gnomAD 0.00001; TOPMed 0.00002.
gnomAD v4.1: 2 of 1,613,244 alleles (0.00012%); highest among the groups gnomAD compares: African/African-American, 0.0027%; no homozygotes.

Submissions (3):

Ambry Genetics
Classification: Likely benign for Inborn genetic diseases. Last evaluated: 2026-07-30. Review status: criteria provided, single submitter. Criteria: Ambry Variant Classification Scheme 2023. Collection method: clinical testing. Allele origin: germline.

GeneDx
Classification: Uncertain significance. Last evaluated: 2023-10-19. Review status: criteria provided, single submitter. Criteria: GeneDx Variant Classification Process June 2021. Collection method: clinical testing. Allele origin: germline. Affected: yes.
Comment: Not observed at significant frequency in large population cohorts (gnomAD); In silico analysis supports that this missense variant does not alter protein structure/function; Has not been previously published as pathogenic or benign to our knowledge

Labcorp Genetics (formerly Invitae), Labcorp
Classification: Uncertain significance for Angelman syndrome. Last evaluated: 2023-07-27. Review status: criteria provided, single submitter. Criteria: Invitae Variant Classification Sherloc (09022015). Collection method: clinical testing. Allele origin: germline.
Comment: In summary, the available evidence is currently insufficient to determine the role of this variant in disease. Therefore, it has been classified as a Variant of Uncertain Significance. Advanced modeling of protein sequence and biophysical properties (such as structural, functional, and spatial information, amino acid conservation, physicochemical variation, residue mobility, and thermodynamic stability) performed at Invitae indicates that this missense variant is not expected to disrupt UBE3A protein function. This variant has not been reported in the literature in individuals affected with UBE3A-related conditions. This variant is not present in population databases (gnomAD no frequency). This sequence change replaces valine, which is neutral and non-polar, with alanine, which is neutral and non-polar, at codon 762 of the UBE3A protein (p.Val762Ala).

NM_130839.5(UBE3A):c.2345T>C (p.Val782Ala)

Genes: SNHG14 (small nucleolar RNA host gene 14; plus strand), UBE3A (ubiquitin protein ligase E3A; minus strand). Cytogenetic location: 15q11.2.
Variant type: single nucleotide variant.
Coding change: c.2345T>C on transcript NM_130839.5 (MANE Select); coding-DNA position 2345, T replaced by C.
Protein change: p.Val782Ala; replaces valine 782 with alanine.
Molecular consequence: missense variant. On other transcripts: non-coding transcript variant (1).
Genome position (GRCh38, 1-based): chr15:25,354,362, A>G on the plus strand (T>C on the coding strand, the complement: UBE3A is on the minus strand). VCF-style: chr15-25354362-A-G. GRCh37 (hg19) VCF-style: chr15-25599509-A-G.
Other names: c.2354T>C, p.Val785Ala (NM_000462.5); c.2345T>C, p.Val782Ala (NM_001354505.1, NM_001354538.2); c.2285T>C, p.Val762Ala (NM_001354506.2, NM_001354507.2, NM_001354508.2 and 14 more transcripts); c.2189T>C, p.Val730Ala (NM_001354545.2); c.2168T>C, p.Val723Ala (NM_001354546.2); c.2129T>C, p.Val710Ala (NM_001354547.2, NM_001354548.2); c.2120T>C, p.Val707Ala (NM_001354549.2); c.1094T>C, p.Val365Ala (NM_001354550.2); and 1 more; short protein forms V365A, V723A, V730A, V762A, V782A, V345A, V707A, V710A.
Identifiers: ClinVar variation 2880626 (VCV002880626.5), dbSNP rs1049347160, ClinGen allele CA267769708.